The following is an entry in ClinVar:

NM_007294.4(BRCA1):c.1745C>A (p.Thr582Lys)

Gene: BRCA1 (BRCA1 DNA repair associated; minus strand). Cytogenetic location: 17q21.31.
Variant type: single nucleotide variant.
Coding change: c.1745C>A on transcript NM_007294.4 (MANE Select); coding-DNA position 1745, C replaced by A.
Protein change: p.Thr582Lys; replaces threonine 582 with lysine.
Molecular consequence: missense variant. On other transcripts: intron variant (137).
Genome position (GRCh38, 1-based): chr17:43,093,786, G>T on the plus strand (C>A on the coding strand, the complement: BRCA1 is on the minus strand). VCF-style: chr17-43093786-G-T. GRCh37 (hg19) VCF-style: chr17-41245803-G-T.
Other names: c.1742C>A, p.Thr581Lys (NM_001407587.1, NM_001407590.1, NM_001407591.1 and 22 more transcripts); c.1745C>A, p.Thr582Lys (NM_001407593.1, NM_001407594.1, NM_001407596.1 and 30 more transcripts); c.1736C>A, p.Thr579Lys (NM_001407646.1, NM_001407647.1); c.1622C>A, p.Thr541Lys (NM_001407648.1, NM_001407664.1, NM_001407665.1 and 19 more transcripts); c.1619C>A, p.Thr540Lys (NM_001407649.1, NM_001407670.1, NM_001407671.1 and 11 more transcripts); c.1667C>A, p.Thr556Lys (NM_001407653.1, NM_001407654.1, NM_001407655.1 and 4 more transcripts); c.1664C>A, p.Thr555Lys (NM_001407659.1, NM_001407660.1, NM_001407661.1 and 1 more transcripts); c.1532C>A, p.Thr511Lys (NM_001407571.1, NM_001407853.1, NM_001407894.1 and 9 more transcripts); and 40 more; short protein forms T582K, T535K, T470K, T540K, T581K, T455K, T471K, T494K.
Identifiers: ClinVar variation 628457 (VCV000628457.6), dbSNP rs786202386, ClinGen allele CA10598539.
Genomic context (GRCh38, chr17:43,093,786, plus strand): 5'-TTGTGGATATTTAATTCGAGTTCCATATTGCTTATACTGCTGCTTATAGGTTCAGCTTTC[G>T]TTTTGAAAGCAGATTCTTTTTCGAGTGATTCTATTGGGTTAGGATTTTTCTCATTCTGAA-3'
Protein context (NP_009225.1, residues 572-592): ESLEKESAFK[Thr582Lys]KAEPISSSIS

ClinVar aggregate classification (germline): Conflicting classifications of pathogenicity. Review status: criteria provided, conflicting classifications (1 of 4 stars). 2 submissions from 2 submitters: Uncertain significance (1); Likely benign (1). Last evaluated 2023-03-23.

Conditions:
Hereditary cancer-predisposing syndrome. Also called: Neoplastic Syndromes, Hereditary; Tumor predisposition; Hereditary neoplastic syndrome; Hereditary Cancer Syndrome. Identifiers: Orphanet 140162, MedGen C0027672, MeSH D009386, MONDO:0015356.

Submissions (2):

University of Washington Department of Laboratory Medicine, University of Washington
Classification: Likely benign for Hereditary cancer-predisposing syndrome. Last evaluated: 2023-03-23. Review status: criteria provided, single submitter. Criteria: Dines et al. (Genet Med. 2020). Collection method: curation. Allele origin: germline.
Comment: Missense variant in a coldspot region where missense variants are very unlikely to be pathogenic (PMID:31911673).

BRCA1 coldspot (exon 11 using historical exon numbering). Reclassification based on statistical prior probability

Color Diagnostics, LLC DBA Color Health
Classification: Uncertain significance for Hereditary cancer-predisposing syndrome. Last evaluated: 2019-05-30. Review status: criteria provided, single submitter. Criteria: ACMG Guidelines, 2015. Collection method: clinical testing. Allele origin: germline.